The following is an entry in ClinVar:

NM_001025603.2(RFX5):c.21T>A (p.Asp7Glu)

Gene: RFX5 (regulatory factor X5; minus strand). Cytogenetic location: 1q21.3.
Variant type: single nucleotide variant.
Coding change: c.21T>A on transcript NM_001025603.2 (MANE Select); coding-DNA position 21, T replaced by A.
Protein change: p.Asp7Glu; replaces aspartic acid 7 with glutamic acid.
Molecular consequence: missense variant.
Genome position (GRCh38, 1-based): chr1:151,346,300, A>T on the plus strand (T>A on the coding strand, the complement: RFX5 is on the minus strand). VCF-style: chr1-151346300-A-T. GRCh37 (hg19) VCF-style: chr1-151318776-A-T.
Other names: c.21T>A, p.Asp7Glu (NM_000449.4, NM_001379412.1, NM_001379413.1 and 7 more transcripts); short protein forms D7E.
Identifiers: ClinVar variation 1378413 (VCV001378413.6), dbSNP rs2102071642, ClinGen allele CA341947556.

ClinVar aggregate classification (germline): Uncertain significance (1 of 4 stars; one submission).

Conditions:
MHC class II deficiency. Also called: BLS, TYPE II; Bare lymphocyte syndrome 2. Identifiers: Orphanet 572, MedGen C5447452, MONDO:0008855.

Submission:

Labcorp Genetics (formerly Invitae), Labcorp
Classification: Uncertain significance for MHC class II deficiency. Last evaluated: 2021-08-29. Review status: criteria provided, single submitter. Criteria: Invitae Variant Classification Sherloc (09022015). Collection method: clinical testing. Allele origin: germline.
Comment: This sequence change replaces aspartic acid with glutamic acid at codon 7 of the RFX5 protein (p.Asp7Glu). The aspartic acid residue is weakly conserved and there is a small physicochemical difference between aspartic acid and glutamic acid. This variant is not present in population databases (ExAC no frequency). This variant has not been reported in the literature in individuals affected with RFX5-related conditions. Algorithms developed to predict the effect of missense changes on protein structure and function (SIFT, PolyPhen-2, Align-GVGD) all suggest that this variant is likely to be tolerated. In summary, the available evidence is currently insufficient to determine the role of this variant in disease. Therefore, it has been classified as a Variant of Uncertain Significance.